The following is an entry in ClinVar:

NM_001364905.1(LRBA):c.8106G>C (p.Leu2702Phe)

Gene: LRBA (LPS responsive beige-like anchor protein; minus strand). Cytogenetic location: 4q31.3.
Variant type: single nucleotide variant.
Coding change: c.8106G>C on transcript NM_001364905.1 (MANE Select); coding-DNA position 8106, G replaced by C.
Protein change: p.Leu2702Phe; replaces leucine 2702 with phenylalanine.
Molecular consequence: missense variant.
Genome position (GRCh38, 1-based): chr4:150,285,946, C>G on the plus strand (G>C on the coding strand, the complement: LRBA is on the minus strand). VCF-style: chr4-150285946-C-G. GRCh37 (hg19) VCF-style: chr4-151207098-C-G.
Other names: p.Leu2713Phe; c.8103G>C, p.Leu2701Phe (NM_001199282.3); c.8121G>C, p.Leu2707Phe (NM_001367550.1); c.8139G>C, p.Leu2713Phe (NM_006726.5); short protein forms L2713F, L2707F, L2701F, L2702F.
Identifiers: ClinVar variation 473189 (VCV000473189.15), dbSNP rs34662958, ClinGen allele CA3101439.
Genomic context (GRCh38, chr4:150,285,946, plus strand): 5'-AAGACAGCAAGAAATGCATCCATTTTGTGAAGGTACCACAGGTTTACCTTGTGAACCACT[C>G]AACACCAGGCCTAGCTCCGCACACACCGCAGCACATGTGACCTCATAGTCATGGCCGGTC-3'
Protein context (NP_001351834.1, residues 2692-2712): AAVCAELGLV[Leu2702Phe]SGSQEGPCLI

ClinVar aggregate classification (germline): Benign/Likely benign. Review status: criteria provided, multiple submitters, no conflicts (2 of 4 stars). 4 submissions from 4 submitters: Benign (3); Likely benign (1). Last evaluated 2026-01-27.

Conditions:
Combined immunodeficiency due to LRBA deficiency. Also called: Common variable immunodeficiency 8, with autoimmunity. Identifiers: Orphanet 445018, MedGen C3553512, MONDO:0013863, OMIM 614700.

Allele frequency attached by ClinVar (database versions not stated): gnomAD 0.01041 and 0.01130; TOPMed 0.01190; 1000 Genomes Project 0.01218; 1000 Genomes Project 30x 0.01218; ESP Exome Variant Server 0.01223; gnomAD exomes 0.00094 and 0.00287; ExAC 0.00659.
gnomAD v4.1: 3,025 of 1,579,550 alleles (0.19%); highest among the groups gnomAD compares: African/African-American, 3.6%; 46 homozygotes.

Submissions (4):

Labcorp Genetics (formerly Invitae), Labcorp
Classification: Benign for Combined immunodeficiency due to LRBA deficiency. Last evaluated: 2026-01-27. Review status: criteria provided, single submitter. Criteria: Invitae Variant Classification Sherloc (09022015). Collection method: clinical testing. Allele origin: germline.

Women's Health and Genetics/Laboratory Corporation of America, LabCorp
Classification: Likely benign. Last evaluated: 2026-01-22. Review status: criteria provided, single submitter. Criteria: LabCorp Variant Classification Summary - May 2015. Collection method: clinical testing. Allele origin: germline.

Mayo Clinic Laboratories, Mayo Clinic
Classification: Benign. Last evaluated: 2025-03-19. Review status: criteria provided, single submitter. Criteria: ACMG Guidelines, 2015. Collection method: clinical testing. Allele origin: germline. Observed: 12 variant alleles.
Comment: BS1, BS2, BP4_moderate

Breakthrough Genomics
Classification: Benign. Review status: criteria provided, single submitter. Criteria: ACMG Guidelines, 2015. Collection method: not provided. Allele origin: germline. Inheritance: Autosomal recessive inheritance. Affected: yes.